The following is an entry in ClinVar:

NM_000551.4(VHL):c.340+576T>G

Genes: VHL (von Hippel-Lindau tumor suppressor; plus strand), LOC107303340 (3p25 von Hippel-Lindau tumor suppressor, E3 ubiquitin protein ligase Alu-mediated recombination region; plus strand). Cytogenetic location: 3p25.3.
Variant type: single nucleotide variant.
Coding change: c.340+576T>G on transcript NM_000551.4 (MANE Select); 576 bases into the intron after coding-DNA position 340, T replaced by G.
Molecular consequence: intron variant. On other transcripts: missense variant (1), non-coding transcript variant (1).
Genome position (GRCh38, 1-based): chr3:10,142,763, T>G. VCF-style: chr3-10142763-T-G. GRCh37 (hg19) VCF-style: chr3-10184447-T-G.
Other names: c.341T>G, p.Val114Gly (NM_001354723.2); c.340+576T>G (NM_198156.3); short protein forms V114G.
Identifiers: ClinVar variation 2947188 (VCV002947188.3), dbSNP rs2470159861, ClinGen allele CA2740090910.

ClinVar aggregate classification (germline): Uncertain significance (1 of 4 stars; one submission).

Conditions:
Von Hippel-Lindau syndrome (VHLS). Also called: von Hippel–Lindau syndrome; VHL syndrome; Von Hippel-Lindau. Identifiers: Orphanet 892, MedGen C0019562, MONDO:0008667, OMIM 193300. Disease mechanism: loss of function.
Chuvash polycythemia. Also called: POLYCYTHEMIA, VHL-DEPENDENT. Identifiers: Orphanet 238557, MedGen C1837915, MONDO:0009892, OMIM 263400.

Submission:

Labcorp Genetics (formerly Invitae), Labcorp
Classification: Uncertain significance for Von Hippel-Lindau syndrome; Chuvash polycythemia. Last evaluated: 2023-07-10. Review status: criteria provided, single submitter. Criteria: Invitae Variant Classification Sherloc (09022015). Collection method: clinical testing. Allele origin: germline.
Comment: In summary, the available evidence is currently insufficient to determine the role of this variant in disease. Therefore, it has been classified as a Variant of Uncertain Significance. Algorithms developed to predict the effect of sequence changes on RNA splicing suggest that this variant is not likely to affect RNA splicing. This variant has not been reported in the literature in individuals affected with VHL-related conditions. This variant is not present in population databases (gnomAD no frequency). This sequence change falls in intron 1 of the VHL gene. It is not expected to change the encoded amino acid sequence of the VHL protein. However, this sequence change falls within a cryptic exon in the VHL gene, known as exon E1’, which is naturally expressed at low levels in several human tissues (PMID: 29891534).

Literature cited by the submitters: PubMed 29891534.